The following is an entry in ClinVar:

ClinVar aggregate classification (germline): Likely benign. Review status: criteria provided, multiple submitters, no conflicts (2 of 4 stars). 4 submissions from 4 submitters: Likely benign (3). 1 of the submissions does not count toward it. Last evaluated 2026-07-01.

Conditions:
AFG2A-related disorder. Also called: AFG2A-related condition.
Microcephaly-intellectual disability-sensorineural hearing loss-epilepsy-abnormal muscle tone syndrome (NEDHSB). Also called: NEURODEVELOPMENTAL DISORDER WITH HEARING LOSS, SEIZURES, AND BRAIN ABNORMALITIES. Identifiers: Orphanet 457351, MedGen C4225276, MONDO:0014698, OMIM 616577.

Allele frequency attached by ClinVar (database versions not stated): ExAC 0.00007; gnomAD exomes 0.00008 and 0.00010; gnomAD 0.00011; TOPMed 0.00020.
gnomAD v4.1: 168 of 1,613,988 alleles (0.01%); highest among the groups gnomAD compares: Admixed American, 0.037%; no homozygotes.

Submissions (4):

CeGaT Center for Human Genetics Tuebingen
Classification: Likely benign. Last evaluated: 2026-07-01. Review status: criteria provided, single submitter. Criteria: CeGaT Center For Human Genetics Tuebingen Variant Classification Criteria Version 2. Collection method: clinical testing. Allele origin: germline. Affected: yes. Observed: 2 variant alleles.
Comment: AFG2A: BP4, BP7

Labcorp Genetics (formerly Invitae), Labcorp
Classification: Likely benign for Microcephaly-intellectual disability-sensorineural hearing loss-epilepsy-abnormal muscle tone syndrome. Last evaluated: 2026-01-05. Review status: criteria provided, single submitter. Criteria: Invitae Variant Classification Sherloc (09022015). Collection method: clinical testing. Allele origin: germline.

Blueprint Genetics
Classification: Likely benign. Last evaluated: 2024-01-30. Review status: criteria provided, single submitter. Criteria: ACMG Guidelines, 2015. Collection method: clinical testing. Allele origin: germline.

PreventionGenetics, part of Exact Sciences
Classification: Likely benign for AFG2A-related condition. Last evaluated: 2024-04-24. Review status: no assertion criteria provided. Collection method: clinical testing. Allele origin: germline. Not counted in ClinVar's aggregate classification.
Comment: This variant is classified as likely benign based on ACMG/AMP sequence variant interpretation guidelines (Richards et al. 2015 PMID: 25741868, with internal and published modifications).

NM_145207.3(AFG2A):c.1632C>T (p.Leu544=)

Gene: AFG2A (AAA ATPase AFG2A; plus strand). Cytogenetic location: 4q28.1.
Variant type: single nucleotide variant.
Coding change: c.1632C>T on transcript NM_145207.3 (MANE Select); coding-DNA position 1632, C replaced by T.
Protein change: p.Leu544=; no amino-acid change (leucine 544 retained).
Molecular consequence: synonymous variant.
Genome position (GRCh38, 1-based): chr4:122,947,406, C>T. VCF-style: chr4-122947406-C-T. GRCh37 (hg19) VCF-style: chr4-123868561-C-T.
Other names: c.1629C>T, p.Leu543= (NM_001317799.2, NM_001345856.2).
Identifiers: ClinVar variation 767190 (VCV000767190.35), dbSNP rs776611921, ClinGen allele CA3070502.
Genomic context (GRCh38, chr4:122,947,406, plus strand): 5'-CAATGCTCAGGACCGGCTAGATATTCTCCAGAAACTGCTTCGAAGGGTACCCCATTTGCT[C>T]ACTGAGGCTGAGCTGCTGCAGCTGGCAAATAGTGCTCATGGATACGTTGGAGCAGACTTG-3'
Protein context (NP_660208.2, residues 534-554): QKLLRRVPHL[Leu544=]TEAELLQLAN